The following is an entry in ClinVar:

NM_005245.4(FAT1):c.5360A>G (p.Asp1787Gly)

Gene: FAT1 (FAT atypical cadherin 1; minus strand). Cytogenetic location: 4q35.2.
Variant type: single nucleotide variant.
Coding change: c.5360A>G on transcript NM_005245.4 (MANE Select); coding-DNA position 5360, A replaced by G.
Protein change: p.Asp1787Gly; replaces aspartic acid 1787 with glycine.
Molecular consequence: missense variant.
Genome position (GRCh38, 1-based): chr4:186,621,226, T>C on the plus strand (A>G on the coding strand, the complement: FAT1 is on the minus strand). VCF-style: chr4-186621226-T-C. GRCh37 (hg19) VCF-style: chr4-187542380-T-C.
Other names: c.5360A>G (NM_005245.3); short protein forms D1787G.
Identifiers: ClinVar variation 2185839 (VCV002185839.4), dbSNP rs201132286, ClinGen allele CA3166475.
Genomic context (GRCh38, chr4:186,621,226, plus strand): 5'-AGCAAAGCATTTGAGTCTTTATCAGCATCAGCTGCTCGAATCACCAGTGGGACATTCCTG[T>C]CTGTTAGGACCACGCTGTTAATTGAGGCTGATTCACTAATGAGTCCTGTATATTCTGCCT-3'
Protein context (NP_005236.2, residues 1777-1797): SASINSVVLT[Asp1787Gly]RNVPLVIRAA

ClinVar aggregate classification (germline): Uncertain significance. Review status: criteria provided, multiple submitters, no conflicts (2 of 4 stars). 2 submissions from 2 submitters: Uncertain significance (2). Last evaluated 2025-08-07.

Conditions:
Inborn genetic diseases. Identifiers: MedGen C0950123, MeSH D030342.

Allele frequency attached by ClinVar (database versions not stated): gnomAD exomes 0.00001; ExAC 0.00004; gnomAD 0.00011; TOPMed 0.00014; ESP Exome Variant Server 0.00033.
gnomAD v4.1: 39 of 1,613,922 alleles (0.0024%); highest among the groups gnomAD compares: African/African-American, 0.051%; no homozygotes.

Submissions (2):

Ambry Genetics
Classification: Uncertain significance for Inborn genetic diseases. Last evaluated: 2025-08-07. Review status: criteria provided, single submitter. Criteria: Ambry Variant Classification Scheme 2023. Collection method: clinical testing. Allele origin: germline.

Labcorp Genetics (formerly Invitae), Labcorp
Classification: Uncertain significance. Last evaluated: 2025-06-12. Review status: criteria provided, single submitter. Criteria: Invitae Variant Classification Sherloc (09022015). Collection method: clinical testing. Allele origin: germline.
Comment: This sequence change replaces aspartic acid, which is acidic and polar, with glycine, which is neutral and non-polar, at codon 1787 of the FAT1 protein (p.Asp1787Gly). This variant is present in population databases (rs201132286, gnomAD 0.05%). This variant has not been reported in the literature in individuals affected with FAT1-related conditions. ClinVar contains an entry for this variant (Variation ID: 2185839). An algorithm developed to predict the effect of missense changes on protein structure and function (PolyPhen-2) suggests that this variant is likely to be tolerated. In summary, the available evidence is currently insufficient to determine the role of this variant in disease. Therefore, it has been classified as a Variant of Uncertain Significance.